The following is an entry in ClinVar:

NM_005334.3(HCFC1):c.2799C>T (p.Ala933=)

Gene: HCFC1 (host cell factor C1; minus strand). Cytogenetic location: Xq28.
Variant type: single nucleotide variant.
Coding change: c.2799C>T on transcript NM_005334.3 (MANE Select); coding-DNA position 2799, C replaced by T.
Protein change: p.Ala933=; no amino-acid change (alanine 933 retained).
Molecular consequence: synonymous variant.
Genome position (GRCh38, 1-based): chrX:153,956,248, G>A on the plus strand (C>T on the coding strand, the complement: HCFC1 is on the minus strand). VCF-style: chrX-153956248-G-A. GRCh37 (hg19) VCF-style: chrX-153221699-G-A.
Other names: c.2799C>T, p.Ala933= (NM_001410705.1).
Identifiers: ClinVar variation 2903930 (VCV002903930.9), dbSNP rs377074021, ClinGen allele CA10557281.

ClinVar aggregate classification (germline): Benign/Likely benign. Review status: criteria provided, multiple submitters, no conflicts (2 of 4 stars). 2 submissions from 2 submitters: Benign (1); Likely benign (1). Last evaluated 2026-01-31.

Conditions:
Methylmalonic acidemia with homocystinuria, type cblX (MAHCX). Also called: INTELLECTUAL DEVELOPMENTAL DISORDER, X-LINKED 3. Identifiers: Orphanet 369962, MedGen C0796208, MONDO:0010657, OMIM 309541.

Allele frequency attached by ClinVar (database versions not stated): ExAC 0.00001; gnomAD 0.00002; gnomAD exomes 0.00002; TOPMed 0.00002; ESP Exome Variant Server 0.00009.
gnomAD v4.1: 28 of 1,211,436 alleles (0.0023%); highest among the groups gnomAD compares: East Asian, 0.024%; no homozygotes.

Submissions (2):

Labcorp Genetics (formerly Invitae), Labcorp
Classification: Benign for Methylmalonic acidemia with homocystinuria, type cblX. Last evaluated: 2026-01-31. Review status: criteria provided, single submitter. Criteria: Invitae Variant Classification Sherloc (09022015). Collection method: clinical testing. Allele origin: germline.

CeGaT Center for Human Genetics Tuebingen
Classification: Likely benign. Last evaluated: 2025-10-01. Review status: criteria provided, single submitter. Criteria: CeGaT Center For Human Genetics Tuebingen Variant Classification Criteria Version 2. Collection method: clinical testing. Allele origin: germline. Affected: yes. Observed: 1 variant allele.
Comment: HCFC1: BP4, BP7, BS2